The following is an entry in ClinVar:

ClinVar aggregate classification (germline): Uncertain significance. Review status: criteria provided, multiple submitters, no conflicts (2 of 4 stars). 2 submissions from 2 submitters: Uncertain significance (2). Last evaluated 2025-11-07.

Conditions:
Inborn genetic diseases. Identifiers: MedGen C0950123, MeSH D030342.

Allele frequency attached by ClinVar (database versions not stated): gnomAD 0.00001; TOPMed 0.00001.
gnomAD v4.1: 1 of 1,534,034 alleles (0.000065%); highest among the groups gnomAD compares: African/African-American, 0.0014%; no homozygotes.

Submissions (2):

Ambry Genetics
Classification: Uncertain significance for Inborn genetic diseases. Last evaluated: 2025-11-07. Review status: criteria provided, single submitter. Criteria: Ambry Variant Classification Scheme 2023. Collection method: clinical testing. Allele origin: germline.

CeGaT Center for Human Genetics Tuebingen
Classification: Uncertain significance. Last evaluated: 2022-11-01. Review status: criteria provided, single submitter. Criteria: CeGaT Center For Human Genetics Tuebingen Variant Classification Criteria Version 2. Collection method: clinical testing. Allele origin: germline. Affected: yes. Observed: 1 variant allele.
Comment: NEFH: PM2:Supporting, PP2

NM_021076.4(NEFH):c.236C>T (p.Thr79Met)

Gene: NEFH (neurofilament heavy chain; plus strand). Cytogenetic location: 22q12.2.
Variant type: single nucleotide variant.
Coding change: c.236C>T on transcript NM_021076.4 (MANE Select); coding-DNA position 236, C replaced by T.
Protein change: p.Thr79Met; replaces threonine 79 with methionine.
Molecular consequence: missense variant.
Genome position (GRCh38, 1-based): chr22:29,480,498, C>T. VCF-style: chr22-29480498-C-T. GRCh37 (hg19) VCF-style: chr22-29876487-C-T.
Other names: c.236C>T (NM_021076.3); short protein forms T79M.
Identifiers: ClinVar variation 2653046 (VCV002653046.24), dbSNP rs1239220666, ClinGen allele CA411122139.